The following is an entry in ClinVar:

NM_006912.6(RIT1):c.429+142T>C

Gene: RIT1 (Ras like without CAAX 1; minus strand). Cytogenetic location: 1q22.
Variant type: single nucleotide variant.
Coding change: c.429+142T>C on transcript NM_006912.6 (MANE Select); 142 bases into the intron after coding-DNA position 429, T replaced by C.
Molecular consequence: intron variant.
Genome position (GRCh38, 1-based): chr1:155,904,169, A>G on the plus strand (T>C on the coding strand, the complement: RIT1 is on the minus strand). VCF-style: chr1-155904169-A-G. GRCh37 (hg19) VCF-style: chr1-155873960-A-G.
Other names: c.429+142T>C (LRG_1372t1); c.321+142T>C (NM_001256820.2); c.480+142T>C (NM_001256821.2).
Identifiers: ClinVar variation 561495 (VCV000561495.1), dbSNP rs1765275, ClinGen allele CA16067140.

ClinVar aggregate classification (germline): Benign (1 of 4 stars; one submission).

Allele frequency attached by ClinVar (database versions not stated): 1000 Genomes Project 30x 0.84541; 1000 Genomes Project 0.85024; gnomAD 0.86172 and 0.86587; TOPMed 0.86331; gnomAD exomes 0.91873.
gnomAD v4.1: 566,784 of 626,154 alleles (91%); highest among the groups gnomAD compares: East Asian, 100%; 257,948 homozygotes.

Submission:

GeneDx
Classification: Benign. Last evaluated: 2018-06-14. Review status: criteria provided, single submitter. Criteria: GeneDx Variant Classification (06012015). Collection method: clinical testing. Allele origin: germline. Affected: yes.
Comment: This variant is considered likely benign or benign based on one or more of the following criteria: it is a conservative change, it occurs at a poorly conserved position in the protein, it is predicted to be benign by multiple in silico algorithms, and/or has population frequency not consistent with disease.